The following is an entry in ClinVar:

ClinVar aggregate classification (germline): Pathogenic/Likely pathogenic. Review status: criteria provided, multiple submitters, no conflicts (2 of 4 stars). 4 submissions from 4 submitters: Pathogenic (2); Likely pathogenic (2). Last evaluated 2025-06-17.

Conditions:
Juvenile neuronal ceroid lipofuscinosis. Also called: Batten Disease. Identifiers: Orphanet 79264, MedGen CN293564, MONDO:0019262.
Neuronal ceroid lipofuscinosis 3 (CLN3). Identifiers: Orphanet 228346, MedGen C0751383, MONDO:0008767, OMIM 204200.
Neuronal ceroid lipofuscinosis. Also called: Neuronal Ceroid Lipofuscinoses. Identifiers: Orphanet 216, Orphanet 79263, MedGen C0027877, MONDO:0016295. Disease mechanism: loss of function.

Submissions (4):

Labcorp Genetics (formerly Invitae), Labcorp
Classification: Pathogenic for Neuronal ceroid lipofuscinosis. Last evaluated: 2025-06-17. Review status: criteria provided, single submitter. Criteria: Invitae Variant Classification Sherloc (09022015). Collection method: clinical testing. Allele origin: germline.
Comment: This sequence change creates a premature translational stop signal (p.Trp184*) in the CLN3 gene. It is expected to result in an absent or disrupted protein product. Loss-of-function variants in CLN3 are known to be pathogenic (PMID: 9311735, 28542676). This variant is not present in population databases (gnomAD no frequency). This variant has not been reported in the literature in individuals affected with CLN3-related conditions. ClinVar contains an entry for this variant (Variation ID: 2032700). For these reasons, this variant has been classified as Pathogenic.

Natera, Inc.
Classification: Likely pathogenic for Batten Disease. Last evaluated: 2025-01-05. Review status: criteria provided, single submitter. Criteria: Natera Variant Classification Schema (03/2026). Collection method: clinical testing. Allele origin: germline.
Comment: The c.552G>A variant in CLN3 is a nonsense variant predicted to introduce a stop codon at amino acid 184. This variant is expected to result in nonsense mediated decay, truncation, or a dysfunctional protein product. This variant is rare in the general population with a frequency below the threshold expected for the associated phenotype(s). Given the available evidence, this variant is classified as Likely Pathogenic.

Myriad Genetics, Inc.
Classification: Pathogenic for Neuronal ceroid lipofuscinosis 3. Last evaluated: 2023-08-20. Review status: criteria provided, single submitter. Criteria: Myriad Autosomal Dominant, Autosomal Recessive and X-Linked Classification Criteria (2023). Collection method: clinical testing. Allele origin: unknown.
Comment: NM_001042432.1(CLN3):c.552G>A(W184*) is expected to be pathogenic in the context of CLN3-related disorders. This variant is predicted to lead to an abnormal or absent protein product due to the creation of a premature termination codon in CLN3, a gene where loss-of-function variants are known to be pathogenic. Please note: this variant was assessed in the context of healthy population screening.

Baylor Genetics
Classification: Likely pathogenic for Neuronal ceroid lipofuscinosis 3. Last evaluated: 2022-12-23. Review status: criteria provided, single submitter. Criteria: ACMG Guidelines, 2015. Collection method: clinical testing. Allele origin: unknown.

Literature cited by the submitters: PubMed 9311735 (cited by Labcorp Genetics (formerly Invitae), Labcorp); PubMed 28542676 (cited by Labcorp Genetics (formerly Invitae), Labcorp).

NM_001042432.2(CLN3):c.552G>A (p.Trp184Ter)

Gene: CLN3 (CLN3 lysosomal/endosomal transmembrane protein, battenin; minus strand). Cytogenetic location: 16p12.1.
Variant type: single nucleotide variant.
Coding change: c.552G>A on transcript NM_001042432.2 (MANE Select); coding-DNA position 552, G replaced by A.
Protein change: p.Trp184Ter; replaces tryptophan 184 with a stop codon.
Molecular consequence: nonsense.
Genome position (GRCh38, 1-based): chr16:28,486,472, C>T on the plus strand (G>A on the coding strand, the complement: CLN3 is on the minus strand). VCF-style: chr16-28486472-C-T. GRCh37 (hg19) VCF-style: chr16-28497793-C-T.
Other names: c.552G>A, p.Trp184Ter (NM_000086.2); c.480G>A, p.Trp160Ter (NM_001286104.2); c.252G>A, p.Trp84Ter (NM_001286105.2); c.318G>A, p.Trp106Ter (NM_001286109.2); c.390G>A, p.Trp130Ter (NM_001286110.2); short protein forms W160*, W130*, W106*, W184*, W84*.
Identifiers: ClinVar variation 2032700 (VCV002032700.8), dbSNP rs2506483030, ClinGen allele CA395345494.